The following is an entry in ClinVar:

NM_138694.4(PKHD1):c.7951_7954del (p.Leu2651fs)

Gene: PKHD1 (PKHD1 ciliary IPT domain containing fibrocystin/polyductin; minus strand). Cytogenetic location: 6p12.2.
Variant type: Deletion.
Coding change: c.7951_7954del on transcript NM_138694.4 (MANE Select); coding-DNA positions 7951 to 7954, 4 bases deleted (CTAC; older notation c.7951_7954delCTAC).
Protein change: p.Leu2651fs; shifts the reading frame from leucine 2651.
Molecular consequence: frameshift variant.
Genome position (GRCh38, 1-based): chr6:51,847,928-51,847,931, GTAG deleted on the plus strand (CTAC on the coding strand, the reverse complement: PKHD1 is on the minus strand); deleting any 4 consecutive bases within chr6:51,847,928-51,847,934 gives the same sequence; the c. name uses the placement nearest the transcript's 3' end. VCF-style (leftmost placement, unchanged base first): chr6-51847927-AGTAG-A. GRCh37 (hg19) VCF-style: chr6-51712725-AGTAG-A.
Other names: c.7951_7954del, p.Leu2651fs (NM_170724.3); short protein forms L2651fs.
Identifiers: ClinVar variation 4730188 (VCV004730188.1).

ClinVar aggregate classification (germline): Pathogenic (1 of 4 stars; one submission).

Conditions:
Autosomal recessive polycystic kidney disease (ARPKD). Also called: AR polycystic kidney disease. Identifiers: Orphanet 731, Orphanet 8378, MedGen C0085548, MeSH D017044, MONDO:0009889.

Submission:

Labcorp Genetics (formerly Invitae), Labcorp
Classification: Pathogenic for Autosomal recessive polycystic kidney disease. Last evaluated: 2025-10-29. Review status: criteria provided, single submitter. Criteria: Invitae Variant Classification Sherloc (09022015). Collection method: clinical testing. Allele origin: germline.
Comment: This sequence change creates a premature translational stop signal (p.Leu2651Cysfs*15) in the PKHD1 gene. It is expected to result in an absent or disrupted protein product. Loss-of-function variants in PKHD1 are known to be pathogenic (PMID: 19940839). This variant is not present in population databases (gnomAD no frequency). This variant has not been reported in the literature in individuals affected with PKHD1-related conditions. Algorithms developed to predict the effect of sequence changes on RNA splicing suggest that this variant may disrupt the consensus splice site. For these reasons, this variant has been classified as Pathogenic.

Literature cited by the submitters: PubMed 19940839.